The following is an entry in ClinVar:

NM_018979.4(WNK1):c.1591G>A (p.Asp531Asn)

Gene: WNK1 (WNK lysine deficient protein kinase 1; plus strand). Cytogenetic location: 12p13.33.
Variant type: single nucleotide variant.
Coding change: c.1591G>A on transcript NM_018979.4 (MANE Select); coding-DNA position 1591, G replaced by A.
Protein change: p.Asp531Asn; replaces aspartic acid 531 with asparagine.
Molecular consequence: missense variant.
Genome position (GRCh38, 1-based): chr12:859,435, G>A. VCF-style: chr12-859435-G-A. GRCh37 (hg19) VCF-style: chr12-968601-G-A.
Other names: c.1591G>A, p.Asp531Asn (NM_001184985.2, NM_014823.3, NM_213655.5); short protein forms D531N.
Identifiers: ClinVar variation 3748049 (VCV003748049.2).

ClinVar aggregate classification (germline): Uncertain significance (1 of 4 stars; one submission).

Conditions:
Neuropathy, hereditary sensory and autonomic, type 2A (HSAN2A). Also called: ACROOSTEOLYSIS, GIACCAI TYPE; ACROOSTEOLYSIS, NEUROGENIC; MORVAN DISEASE; NEUROPATHY, CONGENITAL SENSORY; NEUROPATHY, HEREDITARY SENSORY RADICULAR, AUTOSOMAL RECESSIVE; NEUROPATHY, HEREDITARY SENSORY, TYPE IIA. Identifiers: Orphanet 970, MedGen C2752089, MONDO:0024309, OMIM 201300.
Pseudohypoaldosteronism type 2C (PHA2C). Also called: Pseudohypoaldosteronism Type IIC. Identifiers: Orphanet 757, Orphanet 88940, MedGen C1840391, MONDO:0013778, OMIM 614492.

Submission:

Labcorp Genetics (formerly Invitae), Labcorp
Classification: Uncertain significance for Neuropathy, hereditary sensory and autonomic, type 2A; Pseudohypoaldosteronism type 2C. Last evaluated: 2024-10-09. Review status: criteria provided, single submitter. Criteria: Invitae Variant Classification Sherloc (09022015). Collection method: clinical testing. Allele origin: germline.
Comment: This sequence change replaces aspartic acid, which is acidic and polar, with asparagine, which is neutral and polar, at codon 531 of the WNK1 protein (p.Asp531Asn). This variant is not present in population databases (gnomAD no frequency). This variant has not been reported in the literature in individuals affected with WNK1-related conditions. Invitae Evidence Modeling of protein sequence and biophysical properties (such as structural, functional, and spatial information, amino acid conservation, physicochemical variation, residue mobility, and thermodynamic stability) indicates that this missense variant is not expected to disrupt WNK1 protein function with a negative predictive value of 95%. In summary, the available evidence is currently insufficient to determine the role of this variant in disease. Therefore, it has been classified as a Variant of Uncertain Significance.